The following is an entry in ClinVar:

NM_001371727.1(GABRB2):c.857C>A (p.Thr286Asn)

Gene: GABRB2 (gamma-aminobutyric acid type A receptor subunit beta2; minus strand). Cytogenetic location: 5q34.
Variant type: single nucleotide variant.
Coding change: c.857C>A on transcript NM_001371727.1 (MANE Select); coding-DNA position 857, C replaced by A.
Protein change: p.Thr286Asn; replaces threonine 286 with asparagine.
Molecular consequence: missense variant.
Genome position (GRCh38, 1-based): chr5:161,331,103, G>T on the plus strand (C>A on the coding strand, the complement: GABRB2 is on the minus strand). VCF-style: chr5-161331103-G-T. GRCh37 (hg19) VCF-style: chr5-160758110-G-T.
Other names: c.857C>A, p.Thr286Asn (NM_000813.3, NM_021911.3); short protein forms T286N.
Identifiers: ClinVar variation 953780 (VCV000953780.10), dbSNP rs1753824585, ClinGen allele CA362175472.

ClinVar aggregate classification (germline): Uncertain significance (1 of 4 stars; one submission).

Conditions:
Intellectual disability. Also called: Intellectual functioning disability; Intellectual developmental disorder; intellectual disabilities. Identifiers: MedGen C3714756, MeSH D008607, MONDO:0001071, HP:0001249.

Submission:

Labcorp Genetics (formerly Invitae), Labcorp
Classification: Uncertain significance for Intellectual disability. Last evaluated: 2019-09-06. Review status: criteria provided, single submitter. Criteria: Invitae Variant Classification Sherloc (09022015). Collection method: clinical testing. Allele origin: germline.
Comment: This sequence change replaces threonine with asparagine at codon 286 of the GABRB2 protein (p.Thr286Asn). The threonine residue is highly conserved and there is a small physicochemical difference between threonine and asparagine. This variant is not present in population databases (ExAC no frequency). This variant has not been reported in the literature in individuals with GABRB2-related conditions. Algorithms developed to predict the effect of missense changes on protein structure and function (SIFT, PolyPhen-2, Align-GVGD) all suggest that this variant is likely to be disruptive, but these predictions have not been confirmed by published functional studies and their clinical significance is uncertain. In summary, the available evidence is currently insufficient to determine the role of this variant in disease. Therefore, it has been classified as a Variant of Uncertain Significance.